The following is an entry in ClinVar:

ClinVar aggregate classification (germline): Pathogenic (1 of 4 stars; one submission).

Submission:

Labcorp Genetics (formerly Invitae), Labcorp
Classification: Pathogenic. Last evaluated: 2024-12-10. Review status: criteria provided, single submitter. Criteria: Invitae Variant Classification Sherloc (09022015). Collection method: clinical testing. Allele origin: germline.
Comment: This sequence change creates a premature translational stop signal (p.Gly123Metfs*32) in the ABCA4 gene. It is expected to result in an absent or disrupted protein product. Loss-of-function variants in ABCA4 are known to be pathogenic (PMID: 10958761, 24938718, 25312043, 26780318). This variant is present in population databases (no rsID available, gnomAD 0.0009%). This variant has not been reported in the literature in individuals affected with ABCA4-related conditions. For these reasons, this variant has been classified as Pathogenic.

Literature cited by the submitters: PubMed 10958761; PubMed 24938718; PubMed 25312043; PubMed 26780318.

NM_000350.3(ABCA4):c.365_366insCA (p.Gly123fs)

Gene: ABCA4 (ATP binding cassette subfamily A member 4; minus strand). Cytogenetic location: 1p22.1.
Variant type: Insertion.
Coding change: c.365_366insCA on transcript NM_000350.3 (MANE Select); coding-DNA positions 365 to 366, CA inserted.
Protein change: p.Gly123fs; shifts the reading frame from glycine 123.
Molecular consequence: frameshift variant.
Genome position: GRCh38 VCF-style: chr1-94108653-A-ATG. GRCh37 (hg19) VCF-style: chr1-94574209-A-ATG.
Other names: c.365_366insCA, p.Gly123fs (NM_001425324.1); short protein forms G123fs.
Identifiers: ClinVar variation 3694534 (VCV003694534.2).
Genomic context (GRCh38, chr1:94,108,653, plus strand): 5'-GTGAGTCCGGAGGGTGTCCATGAATTGGGACAAGATGTGTAGCTCTGTCCAAATACGGCC[A>ATG]AGGTGCTGGCTCTCTGGTGCATTCATGAGGAGTTCTTGAAAATCTCGATATACCCTTGCC-3'